The following is an entry in ClinVar:

ClinVar aggregate classification (germline): Uncertain significance (1 of 4 stars; one submission).

Submission:

GeneDx
Classification: Uncertain significance. Last evaluated: 2024-06-07. Review status: criteria provided, single submitter. Criteria: GeneDx Variant Classification Process June 2021. Collection method: clinical testing. Allele origin: germline. Affected: yes.
Comment: Not observed at significant frequency in large population cohorts (gnomAD); In silico analysis indicates that this missense variant does not alter protein structure/function; Has not been previously published as pathogenic or benign to our knowledge

NM_004789.4(LHX2):c.1150T>C (p.Ser384Pro)

Gene: LHX2 (LIM homeobox 2; plus strand). Cytogenetic location: 9q33.3.
Variant type: single nucleotide variant.
Coding change: c.1150T>C on transcript NM_004789.4 (MANE Select); coding-DNA position 1150, T replaced by C.
Protein change: p.Ser384Pro; replaces serine 384 with proline.
Molecular consequence: missense variant.
Genome position (GRCh38, 1-based): chr9:124,032,636, T>C. VCF-style: chr9-124032636-T-C. GRCh37 (hg19) VCF-style: chr9-126794915-T-C.
Other names: short protein forms S384P.
Identifiers: ClinVar variation 3384305 (VCV003384305.1).
Genomic context (GRCh38, chr9:124,032,636, plus strand): 5'-CCCACCACCCTGACAGACTTGACTAGCCCCACCCTGCCAACTGTGACGTCCGTCTTAACT[T>C]CTGTGCCTGGCAACCTGGAGGGCCATGAGCCTCACAGCCCCTCACAAACGACTCTTACCA-3'
Protein context (NP_004780.3, residues 374-394): TLPTVTSVLT[Ser384Pro]VPGNLEGHEP